The following is an entry in ClinVar:

NM_004187.5(KDM5C):c.889G>T (p.Glu297Ter)

Gene: KDM5C (lysine demethylase 5C; minus strand). Cytogenetic location: Xp11.22.
Variant type: single nucleotide variant.
Coding change: c.889G>T on transcript NM_004187.5 (MANE Select); coding-DNA position 889, G replaced by T.
Protein change: p.Glu297Ter; replaces glutamic acid 297 with a stop codon.
Molecular consequence: nonsense. On other transcripts: non-coding transcript variant (3).
Genome position (GRCh38, 1-based): chrX:53,215,869, C>A on the plus strand (G>T on the coding strand, the complement: KDM5C is on the minus strand). VCF-style: chrX-53215869-C-A. GRCh37 (hg19) VCF-style: chrX-53245051-C-A.
Other names: c.688G>T, p.Glu230Ter (NM_001146702.2); c.886G>T, p.Glu296Ter (NM_001282622.3, NM_001353979.2, NM_001353982.2); c.889G>T, p.Glu297Ter (NM_001353978.3, NM_001353981.2, NM_001353984.2); short protein forms E230*, E296*, E297*.
Identifiers: ClinVar variation 2576859 (VCV002576859.1), dbSNP rs1556851537, ClinGen allele CA413132982.

ClinVar aggregate classification (germline): Pathogenic (1 of 4 stars; one submission).

Submission:

GeneDx
Classification: Pathogenic. Last evaluated: 2023-02-16. Review status: criteria provided, single submitter. Criteria: GeneDx Variant Classification Process June 2021. Collection method: clinical testing. Allele origin: germline. Affected: yes.
Comment: Has not been previously published as pathogenic or benign to our knowledge; Nonsense variant predicted to result in protein truncation or nonsense mediated decay in a gene for which loss of function is a known mechanism of disease; Not observed at significant frequency in large population cohorts (gnomAD)